The following is an entry in ClinVar:

NM_002386.4(MC1R):c.556G>A (p.Val186Met)

Gene: MC1R (melanocortin 1 receptor; plus strand). Cytogenetic location: 16q24.3.
Variant type: single nucleotide variant.
Coding change: c.556G>A on transcript NM_002386.4 (MANE Select); coding-DNA position 556, G replaced by A.
Protein change: p.Val186Met; replaces valine 186 with methionine.
Molecular consequence: missense variant.
Genome position (GRCh38, 1-based): chr16:89,919,814, G>A. VCF-style: chr16-89919814-G-A. GRCh37 (hg19) VCF-style: chr16-89986222-G-A.
Other names: short protein forms V186M.
Identifiers: ClinVar variation 321432 (VCV000321432.15), dbSNP rs773260532, ClinGen allele CA8255661.

ClinVar aggregate classification (germline): Conflicting classifications of pathogenicity. Review status: criteria provided, conflicting classifications (1 of 4 stars). 2 submissions from 2 submitters: Uncertain significance (1); Likely benign (1). Last evaluated 2019-07-03.

Conditions:
Melanoma, cutaneous malignant, susceptibility to, 5. Also called: Cutaneous malignant melanoma 5. Identifiers: Orphanet 618, MedGen C2751295, MONDO:0013133, OMIM 613099.

Allele frequency attached by ClinVar (database versions not stated): gnomAD exomes 0.00002; TOPMed 0.00002; ExAC 0.00003; gnomAD 0.00003 and 0.00004.
gnomAD v4.1: 17 of 1,607,430 alleles (0.0011%); highest among the groups gnomAD compares: African/African-American, 0.0053%; no homozygotes.

Submissions (2):

Labcorp Genetics (formerly Invitae), Labcorp
Classification: Uncertain significance for Melanoma, cutaneous malignant, susceptibility to, 5. Last evaluated: 2019-07-03. Review status: criteria provided, single submitter. Criteria: Invitae Variant Classification Sherloc (09022015). Collection method: clinical testing. Allele origin: germline.
Comment: This sequence change replaces valine with methionine at codon 186 of the MC1R protein (p.Val186Met). The valine residue is weakly conserved and there is a small physicochemical difference between valine and methionine. This variant is present in population databases (rs773260532, ExAC 0.01%). This variant has been observed in an individual affected with basal cell carcinoma (PMID: 18067130). ClinVar contains an entry for this variant (Variation ID: 321432). Algorithms developed to predict the effect of missense changes on protein structure and function output the following: SIFT: "Tolerated"; PolyPhen-2: "Benign"; Align-GVGD: "Class C0". The methionine amino acid residue is found in multiple mammalian species, suggesting that this missense change does not adversely affect protein function. These predictions have not been confirmed by published functional studies and their clinical significance is uncertain. In summary, the available evidence is currently insufficient to determine the role of this variant in disease. Therefore, it has been classified as a Variant of Uncertain Significance.

Illumina Laboratory Services, Illumina
Classification: Likely benign for Melanoma, cutaneous malignant, susceptibility to, 5. Last evaluated: 2017-04-28. Review status: criteria provided, single submitter. Criteria: ICSL Variant Classification Criteria 13 December 2019. Collection method: clinical testing. Allele origin: germline.
Comment: This variant was observed as part of a predisposition screen in an ostensibly healthy population. A literature search was performed for the gene, cDNA change, and amino acid change (where applicable). No publications were found based on this search. Allele frequency data from public databases allowed determination this variant is unlikely to cause disease. Therefore, this variant is classified as likely benign.

Literature cited by the submitters: PubMed 18067130 (cited by Labcorp Genetics (formerly Invitae), Labcorp).